The following is an entry in ClinVar:

NM_001042432.2(CLN3):c.757dup (p.Leu253fs)

Gene: CLN3 (CLN3 lysosomal/endosomal transmembrane protein, battenin; minus strand). Cytogenetic location: 16p12.1.
Variant type: Duplication.
Coding change: c.757dup on transcript NM_001042432.2 (MANE Select); coding-DNA position 757, one base duplicated (C; older notation c.757dupC).
Protein change: p.Leu253fs; shifts the reading frame from leucine 253.
Molecular consequence: frameshift variant.
Genome position (GRCh38, 1-based): chr16:28,484,039, G duplicated on the plus strand (C on the coding strand, the reverse complement: CLN3 is on the minus strand); the first of 4 consecutive G bases (chr16:28,484,039-28,484,042); duplicating any one gives the same sequence. VCF-style (leftmost placement, unchanged base first): chr16-28484038-A-AG. GRCh37 (hg19) VCF-style: chr16-28495359-A-AG.
Other names: c.757dup, p.Leu253fs (NM_000086.2); c.685dup, p.Leu229fs (NM_001286104.2); c.457dup, p.Leu153fs (NM_001286105.2); c.523dup, p.Leu175fs (NM_001286109.2); c.595dup, p.Leu199fs (NM_001286110.2); short protein forms L153fs, L175fs, L199fs, L229fs, L253fs.
Identifiers: ClinVar variation 4064810 (VCV004064810.2).

ClinVar aggregate classification (germline): Likely pathogenic (1 of 4 stars; one submission).

Conditions:
Juvenile neuronal ceroid lipofuscinosis. Also called: Batten Disease. Identifiers: Orphanet 79264, MedGen CN293564, MONDO:0019262.

Submission:

Natera, Inc.
Classification: Likely pathogenic for Batten Disease. Last evaluated: 2025-05-26. Review status: criteria provided, single submitter. Criteria: Natera Variant Classification Schema (03/2026). Collection method: clinical testing. Allele origin: germline.
Comment: The c.757dup variant in CLN3 is a frameshift variant predicted to shift the reading frame beginning at codon 253 and leads to a stop codon 47 codons downstream. This variant is expected to result in nonsense mediated decay, truncation, or a dysfunctional protein product. This variant is rare in the general population with a frequency below the threshold expected for the associated phenotype(s). Given the available evidence, this variant is classified as Likely Pathogenic.